The following is an entry in ClinVar:

NM_001999.4(FBN2):c.3724+2T>G

Gene: FBN2 (fibrillin 2; minus strand). Cytogenetic location: 5q23.3.
Variant type: single nucleotide variant.
Coding change: c.3724+2T>G on transcript NM_001999.4 (MANE Select); the canonical splice donor site of the intron after coding-DNA position 3724, T replaced by G.
Molecular consequence: splice donor variant.
Genome position (GRCh38, 1-based): chr5:128,335,986, A>C on the plus strand (T>G on the coding strand, the complement: FBN2 is on the minus strand). VCF-style: chr5-128335986-A-C. GRCh37 (hg19) VCF-style: chr5-127671678-A-C.
Identifiers: ClinVar variation 1734320 (VCV001734320.2), dbSNP rs863223570, ClinGen allele CA360758177.

ClinVar aggregate classification (germline): Likely pathogenic (1 of 4 stars; one submission).

Conditions:
Familial thoracic aortic aneurysm and aortic dissection (TAAD). Also called: Thoracic aortic aneurysms and dissections. Identifiers: Orphanet 91387, MedGen C4707243, MONDO:0019625.

Submission:

Ambry Genetics
Classification: Likely pathogenic for Familial thoracic aortic aneurysm and aortic dissection. Last evaluated: 2018-02-19. Review status: criteria provided, single submitter. Criteria: Ambry Variant Classification Scheme 2023. Collection method: clinical testing. Allele origin: germline.
Comment: The c.3724+2T>G intronic variant results from a T to G substitution two nucleotides after coding exon 28 in the FBN2 gene. This alteration has been reported in two unrelated probands with congenital contractural arachnodactyly (CCA), with a likely de novo origin in one of the two individuals (Gupta PA et al. Hum. Mutat. 2002;19:39-48). This nucleotide position is well conserved in available vertebrate species. Using the BDGP and ESEfinder splice site prediction tools, this alteration is predicted to abolish the native splice donor site. Alterations that disrupt the canonical splice site are expected to cause aberrant splicing, resulting in an abnormal protein or a transcript that is subject to nonsense-mediated mRNA decay. RNA studies on dermal fibroblasts from both aforementioned probands indicate that this alteration results in exon skipping (Gupta PA et al. Hum. Mutat. 2002;19:39-48). Based on the majority of available evidence to date, this variant is likely to be pathogenic.

Literature cited by the submitters: PubMed 11754102.